The following is an entry in ClinVar:

NM_000039.3(APOA1):c.133G>A (p.Val45Met)

Genes: APOA1 (apolipoprotein A1; minus strand), APOA1-AS (APOA1 antisense RNA; plus strand). Cytogenetic location: 11q23.3.
Variant type: single nucleotide variant.
Coding change: c.133G>A on transcript NM_000039.3 (MANE Select); coding-DNA position 133, G replaced by A.
Protein change: p.Val45Met; replaces valine 45 with methionine.
Molecular consequence: missense variant.
Genome position (GRCh38, 1-based): chr11:116,837,068, C>T on the plus strand (G>A on the coding strand, the complement: APOA1 is on the minus strand). VCF-style: chr11-116837068-C-T. GRCh37 (hg19) VCF-style: chr11-116707784-C-T.
Other names: c.133G>A, p.Val45Met (NM_001318017.2, NM_001318018.2); c.-195G>A (NM_001318021.2); short protein forms V45M.
Identifiers: ClinVar variation 1389838 (VCV001389838.6), dbSNP rs2134232994, ClinGen allele CA382719189.

ClinVar aggregate classification (germline): Uncertain significance (1 of 4 stars; one submission).

Submission:

Labcorp Genetics (formerly Invitae), Labcorp
Classification: Uncertain significance. Last evaluated: 2021-10-29. Review status: criteria provided, single submitter. Criteria: Invitae Variant Classification Sherloc (09022015). Collection method: clinical testing. Allele origin: germline.
Comment: This sequence change replaces valine, which is neutral and non-polar, with methionine, which is neutral and non-polar, at codon 45 of the APOA1 protein (p.Val45Met). This variant is not present in population databases (gnomAD no frequency). This variant has not been reported in the literature in individuals affected with APOA1-related conditions. Algorithms developed to predict the effect of missense changes on protein structure and function are either unavailable or do not agree on the potential impact of this missense change (SIFT: "Not Available"; PolyPhen-2: "Benign"; Align-GVGD: "Not Available"). In summary, the available evidence is currently insufficient to determine the role of this variant in disease. Therefore, it has been classified as a Variant of Uncertain Significance.